The following is an entry in ClinVar:

NM_006231.4(POLE):c.4700C>T (p.Ala1567Val)

Gene: POLE (DNA polymerase epsilon, catalytic subunit; minus strand). Cytogenetic location: 12q24.33.
Variant type: single nucleotide variant.
Coding change: c.4700C>T on transcript NM_006231.4 (MANE Select); coding-DNA position 4700, C replaced by T.
Protein change: p.Ala1567Val; replaces alanine 1567 with valine.
Molecular consequence: missense variant.
Genome position (GRCh38, 1-based): chr12:132,642,848, G>A on the plus strand (C>T on the coding strand, the complement: POLE is on the minus strand). VCF-style: chr12-132642848-G-A. GRCh37 (hg19) VCF-style: chr12-133219434-G-A.
Other names: short protein forms A1567V.
Identifiers: ClinVar variation 3672218 (VCV003672218.2).

ClinVar aggregate classification (germline): Uncertain significance (1 of 4 stars; one submission).

Submission:

Labcorp Genetics (formerly Invitae), Labcorp
Classification: Uncertain significance. Last evaluated: 2024-05-19. Review status: criteria provided, single submitter. Criteria: Invitae Variant Classification Sherloc (09022015). Collection method: clinical testing. Allele origin: germline.
Comment: This sequence change replaces alanine, which is neutral and non-polar, with valine, which is neutral and non-polar, at codon 1567 of the POLE protein (p.Ala1567Val). This variant is not present in population databases (gnomAD no frequency). This variant has not been reported in the literature in individuals affected with POLE-related conditions. Advanced modeling of protein sequence and biophysical properties (such as structural, functional, and spatial information, amino acid conservation, physicochemical variation, residue mobility, and thermodynamic stability) performed at Invitae indicates that this missense variant is not expected to disrupt POLE protein function with a negative predictive value of 80%. In summary, the available evidence is currently insufficient to determine the role of this variant in disease. Therefore, it has been classified as a Variant of Uncertain Significance.